The following is an entry in ClinVar:

NM_021076.4(NEFH):c.2563G>A (p.Glu855Lys)

Gene: NEFH (neurofilament heavy chain; plus strand). Cytogenetic location: 22q12.2.
Variant type: single nucleotide variant.
Coding change: c.2563G>A on transcript NM_021076.4 (MANE Select); coding-DNA position 2563, G replaced by A.
Protein change: p.Glu855Lys; replaces glutamic acid 855 with lysine.
Molecular consequence: missense variant.
Genome position (GRCh38, 1-based): chr22:29,490,203, G>A. VCF-style: chr22-29490203-G-A. GRCh37 (hg19) VCF-style: chr22-29886192-G-A.
Other names: short protein forms E855K.
Identifiers: ClinVar variation 3666372 (VCV003666372.2).

ClinVar aggregate classification (germline): Uncertain significance (1 of 4 stars; one submission).

Submission:

Labcorp Genetics (formerly Invitae), Labcorp
Classification: Uncertain significance. Last evaluated: 2024-10-12. Review status: criteria provided, single submitter. Criteria: Invitae Variant Classification Sherloc (09022015). Collection method: clinical testing. Allele origin: germline.
Comment: This sequence change replaces glutamic acid, which is acidic and polar, with lysine, which is basic and polar, at codon 855 of the NEFH protein (p.Glu855Lys). This variant is not present in population databases (gnomAD no frequency). This variant has not been reported in the literature in individuals affected with NEFH-related conditions. Invitae Evidence Modeling of protein sequence and biophysical properties (such as structural, functional, and spatial information, amino acid conservation, physicochemical variation, residue mobility, and thermodynamic stability) indicates that this missense variant is not expected to disrupt NEFH protein function with a negative predictive value of 95%. In summary, the available evidence is currently insufficient to determine the role of this variant in disease. Therefore, it has been classified as a Variant of Uncertain Significance.